The following is an entry in ClinVar:

NM_006231.4(POLE):c.735T>G (p.Asn245Lys)

Gene: POLE (DNA polymerase epsilon, catalytic subunit; minus strand). Cytogenetic location: 12q24.33.
Variant type: single nucleotide variant.
Coding change: c.735T>G on transcript NM_006231.4 (MANE Select); coding-DNA position 735, T replaced by G.
Protein change: p.Asn245Lys; replaces asparagine 245 with lysine.
Molecular consequence: missense variant.
Genome position (GRCh38, 1-based): chr12:132,677,429, A>C on the plus strand (T>G on the coding strand, the complement: POLE is on the minus strand). VCF-style: chr12-132677429-A-C. GRCh37 (hg19) VCF-style: chr12-133254015-A-C.
Other names: short protein forms N245K.
Identifiers: ClinVar variation 4745603 (VCV004745603.1).
Genomic context (GRCh38, chr12:132,677,429, plus strand): 5'-TTCAACAAGGTCATCTCGGCGGGTGATTTCTACCGGAAAAGCATTTCCTCGGTATCTGAC[A>C]TTGTACCAATGAGCCTGCAAAACACACAGTGTGCTAACTAGAGTTCTACATCCAGGAAAG-3'
Protein context (NP_006222.2, residues 235-255): DLKIHVAHWY[Asn245Lys]VRYRGNAFPV

ClinVar aggregate classification (germline): Uncertain significance (1 of 4 stars; one submission).

Submission:

Labcorp Genetics (formerly Invitae), Labcorp
Classification: Uncertain significance. Last evaluated: 2025-10-06. Review status: criteria provided, single submitter. Criteria: Invitae Variant Classification Sherloc (09022015). Collection method: clinical testing. Allele origin: germline.
Comment: This sequence change replaces asparagine, which is neutral and polar, with lysine, which is basic and polar, at codon 245 of the POLE protein (p.Asn245Lys). This variant is not present in population databases (gnomAD no frequency). This variant has not been reported in the literature in individuals affected with POLE-related conditions. Invitae Evidence Modeling of protein sequence and biophysical properties (such as structural, functional, and spatial information, amino acid conservation, physicochemical variation, residue mobility, and thermodynamic stability) indicates that this missense variant is not expected to disrupt POLE protein function with a negative predictive value of 80%. In summary, the available evidence is currently insufficient to determine the role of this variant in disease. Therefore, it has been classified as a Variant of Uncertain Significance.